The following is an entry in ClinVar:

NM_007055.4(POLR3A):c.2247+27C>T

Gene: POLR3A (RNA polymerase III subunit A; minus strand). Cytogenetic location: 10q22.3.
Variant type: single nucleotide variant.
Coding change: c.2247+27C>T on transcript NM_007055.4 (MANE Select); 27 bases into the intron after coding-DNA position 2247, C replaced by T.
Molecular consequence: intron variant.
Genome position (GRCh38, 1-based): chr10:78,004,689, G>A on the plus strand (C>T on the coding strand, the complement: POLR3A is on the minus strand). VCF-style: chr10-78004689-G-A. GRCh37 (hg19) VCF-style: chr10-79764447-G-A.
Identifiers: ClinVar variation 1300635 (VCV001300635.26), dbSNP rs143228905, ClinGen allele CA5571183.
Genomic context (GRCh38, chr10:78,004,689, plus strand): 5'-ATTCATGGCTCAGCACAACCCCAGAGAGCACCACCGTAGCCACTGTGCACGGCAAGTGGC[G>A]ACCCTGAACCAAAGGGCCGGGCTCACCTCCAGGGTCTCCTCAGCAGTGCAGCCAGGCTGC-3'

ClinVar aggregate classification (germline): Benign/Likely benign. Review status: criteria provided, multiple submitters, no conflicts (2 of 4 stars). 3 submissions from 3 submitters: Benign (1); Likely benign (2). Last evaluated 2026-10-01.

Allele frequency attached by ClinVar (database versions not stated): 1000 Genomes Project 0.00499; 1000 Genomes Project 30x 0.00500; gnomAD exomes 0.00885; ExAC 0.00991; TOPMed 0.00992; gnomAD 0.01133 and 0.01170; ESP Exome Variant Server 0.01315.
gnomAD v4.1: 19,500 of 1,594,376 alleles (1.2%); highest among the groups gnomAD compares: Non-Finnish European, 1.4%; 159 homozygotes.

Submissions (3):

CeGaT Center for Human Genetics Tuebingen
Classification: Benign. Last evaluated: 2026-10-01. Review status: criteria provided, single submitter. Criteria: CeGaT Center For Human Genetics Tuebingen Variant Classification Criteria Version 2. Collection method: clinical testing. Allele origin: germline. Affected: yes. Observed: 59 variant alleles.
Comment: POLR3A: BS1, BS2

GeneDx
Classification: Likely benign. Last evaluated: 2021-04-09. Review status: criteria provided, single submitter. Criteria: GeneDx Variant Classification Process June 2021. Collection method: clinical testing. Allele origin: germline. Affected: yes.

Breakthrough Genomics
Classification: Likely benign. Review status: criteria provided, single submitter. Criteria: ACMG Guidelines, 2015. Collection method: not provided. Allele origin: germline. Inheritance: Autosomal recessive inheritance. Affected: yes.